The following is an entry in ClinVar:

ClinVar aggregate classification (germline): Uncertain significance (1 of 4 stars; one submission).

Conditions:
Cardiovascular phenotype. Identifiers: MedGen CN230736.

Submission:

Ambry Genetics
Classification: Uncertain significance for Cardiovascular phenotype. Last evaluated: 2021-04-16. Review status: criteria provided, single submitter. Criteria: Ambry Variant Classification Scheme 2023. Collection method: clinical testing. Allele origin: germline.
Comment: The p.E1086G variant (also known as c.3257A>G), located in coding exon 15 of the MYPN gene, results from an A to G substitution at nucleotide position 3257. The glutamic acid at codon 1086 is replaced by glycine, an amino acid with similar properties. This amino acid position is highly conserved in available vertebrate species. In addition, this alteration is predicted to be deleterious by in silico analysis. Since supporting evidence is limited at this time, the clinical significance of this alteration remains unclear.

NM_032578.4(MYPN):c.3257A>G (p.Glu1086Gly)

Gene: MYPN (myopalladin; plus strand). Cytogenetic location: 10q21.3.
Variant type: single nucleotide variant.
Coding change: c.3257A>G on transcript NM_032578.4 (MANE Select); coding-DNA position 3257, A replaced by G.
Protein change: p.Glu1086Gly; replaces glutamic acid 1086 with glycine.
Molecular consequence: missense variant. On other transcripts: non-coding transcript variant (2).
Genome position (GRCh38, 1-based): chr10:68,197,450, A>G. VCF-style: chr10-68197450-A-G. GRCh37 (hg19) VCF-style: chr10-69957207-A-G.
Other names: c.3257A>G, p.Glu1086Gly (NM_001256267.2); c.2375A>G, p.Glu792Gly (NM_001256268.2); short protein forms E1086G, E792G.
Identifiers: ClinVar variation 1729471 (VCV001729471.2), dbSNP rs2495951520, ClinGen allele CA376858471.